The following is an entry in ClinVar:

NM_004415.4(DSP):c.8524C>G (p.Arg2842Gly)

Gene: DSP (desmoplakin; plus strand). Cytogenetic location: 6p24.3.
Variant type: single nucleotide variant.
Coding change: c.8524C>G on transcript NM_004415.4 (MANE Select); coding-DNA position 8524, C replaced by G.
Protein change: p.Arg2842Gly; replaces arginine 2842 with glycine.
Molecular consequence: missense variant.
Genome position (GRCh38, 1-based): chr6:7,585,786, C>G. VCF-style: chr6-7585786-C-G. GRCh37 (hg19) VCF-style: chr6-7586019-C-G.
Other names: c.6727C>G, p.Arg2243Gly (NM_001008844.3); c.7195C>G, p.Arg2399Gly (NM_001319034.2); short protein forms R2243G, R2399G, R2842G.
Identifiers: ClinVar variation 2921852 (VCV002921852.3), dbSNP rs144850908, ClinGen allele CA362695307.
Genomic context (GRCh38, chr6:7,585,786, plus strand): 5'-GCTCCGGGGTCCCGCTCCGGCTCCCGCTCGGGATCTCGCTCCGGATCTCGCTCCGGGTCC[C>G]GCAGTGGGTCCCGGAGAGGAAGCTTTGACGCCACAGGGAATTCTTCCTACTCTTATTCCT-3'
Protein context (NP_004406.2, residues 2832-2852): GSRSGSRSGS[Arg2842Gly]SGSRRGSFDA

ClinVar aggregate classification (germline): Uncertain significance (1 of 4 stars; one submission).

Conditions:
Arrhythmogenic right ventricular dysplasia 8 (ARVD8). Also called: Arrhythmogenic Right Ventricular Dysplasia/Cardiomyopathy 8; ARRHYTHMOGENIC RIGHT VENTRICULAR DYSPLASIA, FAMILIAL, 8; ARRHYTHMOGENIC RIGHT VENTRICULAR CARDIOMYOPATHY 8. Identifiers: MedGen C1843896, MONDO:0011831, OMIM 607450.
Arrhythmogenic cardiomyopathy with wooly hair and keratoderma. Also called: Arrhythmogenic cardiomyopathy with woolly hair and keratoderma; Carvajal syndrome; Dilated cardiomyopathy with woolly hair and keratoderma; PALMOPLANTAR KERATODERMA WITH LEFT VENTRICULAR CARDIOMYOPATHY AND WOOLLY HAIR. Identifiers: Orphanet 65282, MedGen C1854063, MONDO:0011581, OMIM 605676.

Submission:

Labcorp Genetics (formerly Invitae), Labcorp
Classification: Uncertain significance for Arrhythmogenic cardiomyopathy with wooly hair and keratoderma; Arrhythmogenic right ventricular dysplasia 8. Last evaluated: 2023-12-31. Review status: criteria provided, single submitter. Criteria: Invitae Variant Classification Sherloc (09022015). Collection method: clinical testing. Allele origin: germline.
Comment: This sequence change replaces arginine, which is basic and polar, with glycine, which is neutral and non-polar, at codon 2842 of the DSP protein (p.Arg2842Gly). This variant is not present in population databases (gnomAD no frequency). This variant has not been reported in the literature in individuals affected with DSP-related conditions. An algorithm developed to predict the effect of missense changes on protein structure and function (PolyPhen-2) suggests that this variant is likely to be tolerated. In summary, the available evidence is currently insufficient to determine the role of this variant in disease. Therefore, it has been classified as a Variant of Uncertain Significance.